The following is an entry in ClinVar:

NM_001283009.2(RTEL1):c.2206_2208del (p.Asp736del)

Genes: RTEL1 (regulator of telomere elongation helicase 1; plus strand), RTEL1-TNFRSF6B (RTEL1-TNFRSF6B readthrough (NMD candidate); plus strand). Cytogenetic location: 20q13.33.
Variant type: Deletion.
Coding change: c.2206_2208del on transcript NM_001283009.2 (MANE Select); coding-DNA positions 2206 to 2208, 3 bases deleted (GAC; older notation c.2206_2208delGAC).
Protein change: p.Asp736del; deletes aspartic acid 736.
Molecular consequence: inframe deletion. On other transcripts: non-coding transcript variant (1).
Genome position (GRCh38, 1-based): chr20:63,690,151-63,690,153, GAC deleted. VCF-style (leftmost placement, unchanged base first): chr20-63690150-TGAC-T. GRCh37 (hg19) VCF-style: chr20-62321503-TGAC-T.
Other names: p.Asp736del; c.2206_2208delGAC (NM_016434.4); c.1537_1539del, p.Asp513del (NM_001283010.1); c.2206_2208del, p.Asp736del (NM_016434.4); c.2278_2280del, p.Asp760del (NM_032957.5); short protein forms D513del, D736del, D760del.
Identifiers: ClinVar variation 1695924 (VCV001695924.6), dbSNP rs2517138802, ClinGen allele CA2580098504.

ClinVar aggregate classification (germline): Uncertain significance. Review status: criteria provided, single submitter (1 of 4 stars). 2 submissions from 2 submitters: Uncertain significance (1). 1 of the submissions does not count toward it. Last evaluated 2022-09-07.

Conditions:
Dyskeratosis congenita, autosomal recessive 5 (DKCB5). Identifiers: MedGen C3554656, MONDO:0014076, OMIM 615190.
Pulmonary fibrosis and/or bone marrow failure, Telomere-related, 3. Also called: PULMONARY FIBROSIS AND/OR BONE MARROW FAILURE SYNDROME, TELOMERE-RELATED, 3. Identifiers: Orphanet 2032, MedGen C4225346, MONDO:0014613, OMIM 616373.
Pulmonary fibrosis. Identifiers: MedGen C0034069, MONDO:0002771, HP:0002206.

Submissions (2):

Labcorp Genetics (formerly Invitae), Labcorp
Classification: Uncertain significance for Dyskeratosis congenita, autosomal recessive 5; Pulmonary fibrosis and/or bone marrow failure, Telomere-related, 3. Last evaluated: 2022-09-07. Review status: criteria provided, single submitter. Criteria: Invitae Variant Classification Sherloc (09022015). Collection method: clinical testing. Allele origin: germline.
Comment: Experimental studies and prediction algorithms are not available or were not evaluated, and the functional significance of this variant is currently unknown. In summary, the available evidence is currently insufficient to determine the role of this variant in disease. Therefore, it has been classified as a Variant of Uncertain Significance. Algorithms developed to predict the effect of sequence changes on RNA splicing suggest that this variant may disrupt the consensus splice site. This variant has not been reported in the literature in individuals affected with RTEL1-related conditions. This variant is not present in population databases (gnomAD no frequency). This variant, c.2206_2208del, results in the deletion of 1 amino acid(s) of the RTEL1 protein (p.Asp736del), but otherwise preserves the integrity of the reading frame.

Garcia Pulmonary Genetics Research Laboratory, Columbia University Irving Medical Center
Classification: Likely risk allele for Pulmonary fibrosis. Last evaluated: 2022-06-09. Review status: no assertion criteria provided. Collection method: research. Allele origin: germline. Affected: yes. Not counted in ClinVar's aggregate classification.
Comment: Leukocyte telomere length (by qPCR) less than 10th percentile age-adjusted